The following is an entry in ClinVar:

NM_000168.6(GLI3):c.1076T>G (p.Met359Arg)

Gene: GLI3 (GLI family zinc finger 3; minus strand). Cytogenetic location: 7p14.1.
Variant type: single nucleotide variant.
Coding change: c.1076T>G on transcript NM_000168.6 (MANE Select); coding-DNA position 1076, T replaced by G.
Protein change: p.Met359Arg; replaces methionine 359 with arginine.
Molecular consequence: missense variant.
Genome position (GRCh38, 1-based): chr7:42,026,365, A>C on the plus strand (T>G on the coding strand, the complement: GLI3 is on the minus strand). VCF-style: chr7-42026365-A-C. GRCh37 (hg19) VCF-style: chr7-42065964-A-C.
Other names: short protein forms M359R.
Identifiers: ClinVar variation 450990 (VCV000450990.2), dbSNP rs1437242698, ClinGen allele CA367327084.
Genomic context (GRCh38, chr7:42,026,365, plus strand): 5'-GGAGGGCTGTGTCCAAAGGCTGAACCTAAGCTCTGTTGTCGGCTTAGGATCTGCTGATGC[A>C]TGTGGAGAGAGACGGGCGCGGAAGAGTAGGTGAAGCTCAAGGCAGGGCTGCACGGGGGAG-3'
Protein context (NP_000159.3, residues 349-369): TYSSAPVSLH[Met359Arg]HQQILSRQQS

ClinVar aggregate classification (germline): Uncertain significance (1 of 4 stars; one submission).

Allele frequency attached by ClinVar (database versions not stated): TOPMed below 0.00001 and 0.00001.

Submission:

GeneDx
Classification: Uncertain significance. Last evaluated: 2017-08-02. Review status: criteria provided, single submitter. Criteria: GeneDx Variant Classification (06012015). Collection method: clinical testing. Allele origin: germline. Affected: yes.
Comment: The c.1076T>G variant in the GLI3 gene has not been reported previously as a pathogenic variant, nor as a benign variant, to our knowledge. The c.1076T>G variant is not observed in large population cohorts (Lek et al., 2016; 1000 Genomes Consortium et al., 2015; Exome Variant Server). In-silico splice models predict that c.1076T>G may create a cryptic splice acceptor site in exon 8, however the natural splice acceptor site is unaffected. In the absence of RNA/functional studies, the actual effect of the c.1076T>G change in this individual is unknown. If c.1076T>G does not alter splicing, it will result in the M359R missense change. The M359R variant is a non-conservative amino acid substitution, which is likely to impact secondary protein structure as these residues differ in polarity, charge, size and/or other properties. This substitution occurs at a position where amino acids with similar properties to Methionine are tolerated across species. In silico analysis is inconsistent in its predictions as to whether or not the variant is damaging to the protein structure/function. We interpret c.1076T>G as a variant of uncertain significance.